The following is an entry in ClinVar:

ClinVar aggregate classification (germline): Likely pathogenic. Review status: criteria provided, single submitter (1 of 4 stars). 2 submissions from 2 submitters: Likely pathogenic (1). 1 of the submissions does not count toward it. Last evaluated 2022-02-01.

Conditions:
Visual hallucination. Also called: Visual hallucinations. Identifiers: MedGen C0233763, HP:0002367.
Dementia. Identifiers: MedGen C0497327, MONDO:0001627, HP:0000726.
Auditory hallucination. Also called: Auditory hallucinations. Identifiers: MedGen C0233762, HP:0008765.

Submissions (2):

Laboratorio de Genetica e Diagnostico Molecular, Hospital Israelita Albert Einstein
Classification: Likely pathogenic for Dementia; Auditory hallucination; Visual hallucination. Last evaluated: 2022-02-01. Review status: criteria provided, single submitter. Criteria: ACMG Guidelines, 2015. Collection method: clinical testing. Allele origin: germline. Affected: yes.
Comment: ACMG classification criteria: PS3 supporting, PS4 moderate, PM2 moderate, PM5 supporting, PP1, PP3 supporting

VIB  Department of Molecular Genetics, University of Antwerp
No classification provided. Review status: no classification provided. Collection method: not provided. Allele origin: not provided. Not counted in ClinVar's aggregate classification.

NM_000021.4(PSEN1):c.709T>C (p.Phe237Leu)

Gene: PSEN1 (presenilin 1; plus strand). Cytogenetic location: 14q24.2.
Variant type: single nucleotide variant.
Coding change: c.709T>C on transcript NM_000021.4 (MANE Select); coding-DNA position 709, T replaced by C.
Protein change: p.Phe237Leu; replaces phenylalanine 237 with leucine.
Molecular consequence: missense variant.
Genome position (GRCh38, 1-based): chr14:73,192,804, T>C. VCF-style: chr14-73192804-T-C. GRCh37 (hg19) VCF-style: chr14-73659512-T-C.
Other names: c.697T>C, p.Phe233Leu (NM_007318.3); short protein forms F237L, F233L.
Identifiers: ClinVar variation 98072 (VCV000098072.3), dbSNP rs63750858, ClinGen allele CA225100.
Genomic context (GRCh38, chr14:73,192,804, plus strand): 5'-GGTCCACTTCGACTCCAGCAGGCATATCTCATTATGATTAGTGCCCTCATGGCCCTGGTG[T>C]TTATCAAGTACCTCCCTGAATGGACTGCGTGGCTCATCTTGGCTGTGATTTCAGTATATG-3'
Protein context (NP_000012.1, residues 227-247): IMISALMALV[Phe237Leu]IKYLPEWTAW